The following is an entry in ClinVar:

ClinVar aggregate classification (germline): Benign/Likely benign. Review status: criteria provided, multiple submitters, no conflicts (2 of 4 stars). 2 submissions from 2 submitters: Benign (1); Likely benign (1). Last evaluated 2024-10-15.

Conditions:
Hereditary cancer-predisposing syndrome. Also called: Neoplastic Syndromes, Hereditary; Tumor predisposition; Hereditary neoplastic syndrome; Hereditary Cancer Syndrome. Identifiers: Orphanet 140162, MedGen C0027672, MeSH D009386, MONDO:0015356.
Hereditary diffuse gastric adenocarcinoma (HDGC). Also called: DIFFUSE GASTRIC AND LOBULAR BREAST CANCER SYNDROME. Identifiers: Orphanet 26106, MedGen C1708349, MONDO:0007648, OMIM 137215.

Submissions (2):

Myriad Genetics, Inc.
Classification: Benign for Hereditary diffuse gastric adenocarcinoma. Last evaluated: 2024-10-15. Review status: criteria provided, single submitter. Criteria: Myriad Autosomal Dominant, Autosomal Recessive and X-Linked Classification Criteria (2023). Collection method: clinical testing. Allele origin: unknown.
Comment: This variant is considered benign. This variant is a silent/synonymous amino acid change and it is not expected to impact splicing.

Ambry Genetics
Classification: Likely benign for Hereditary cancer-predisposing syndrome. Last evaluated: 2020-03-11. Review status: criteria provided, single submitter. Criteria: Ambry Variant Classification Scheme 2023. Collection method: clinical testing. Allele origin: germline.

NM_001903.5(CTNNA1):c.2484T>C (p.Ala828=)

Gene: CTNNA1 (catenin alpha 1; plus strand). Cytogenetic location: 5q31.2.
Variant type: single nucleotide variant.
Coding change: c.2484T>C on transcript NM_001903.5 (MANE Select); coding-DNA position 2484, T replaced by C.
Protein change: p.Ala828=; no amino-acid change (alanine 828 retained).
Molecular consequence: synonymous variant. On other transcripts: 3 prime UTR variant (5).
Genome position (GRCh38, 1-based): chr5:138,933,852, T>C. VCF-style: chr5-138933852-T-C. GRCh37 (hg19) VCF-style: chr5-138269541-T-C.
Other names: c.1131T>C, p.Ala377= (NM_001324013.1, NM_001324012.1); c.*29T>C (NM_001290307.3, NM_001324002.1, NM_001324003.1 and 2 more transcripts); c.2175T>C, p.Ala725= (NM_001290309.3); c.2115T>C, p.Ala705= (NM_001290310.3); c.1374T>C, p.Ala458= (NM_001290312.1, NM_001323987.1, NM_001323988.1 and 12 more transcripts); c.2484T>C, p.Ala828= (NM_001323982.2, NM_001323983.1, NM_001323984.2); c.2457T>C, p.Ala819= (NM_001323985.2); c.2391T>C, p.Ala797= (NM_001323986.2); and 3 more.
Identifiers: ClinVar variation 1791972 (VCV001791972.3), dbSNP rs2533948848, ClinGen allele CA446793149.